The following is an entry in ClinVar:

ClinVar aggregate classification (germline): Pathogenic (1 of 4 stars; one submission).

Conditions:
Glycine encephalopathy. Also called: Nonketotic hyperglycinemia; Non-ketotic hyperglycinemia. Identifiers: Orphanet 407, MedGen C0751748, MONDO:0011612, HP:0008288.

Submission:

Labcorp Genetics (formerly Invitae), Labcorp
Classification: Pathogenic for Glycine encephalopathy. Last evaluated: 2021-11-06. Review status: criteria provided, single submitter. Criteria: Invitae Variant Classification Sherloc (09022015). Collection method: clinical testing. Allele origin: germline.
Comment: For these reasons, this variant has been classified as Pathogenic. This variant disrupts a region of the GLDC protein in which other variant(s) (p.Gly994Arg) have been determined to be pathogenic (PMID: 26179960, 27362913, 28244183). This suggests that this is a clinically significant region of the protein, and that variants that disrupt it are likely to be disease-causing. This variant has not been reported in the literature in individuals affected with GLDC-related conditions. This variant is not present in population databases (gnomAD no frequency). This sequence change creates a premature translational stop signal (p.Ser957Tyrfs*7) in the GLDC gene. While this is not anticipated to result in nonsense mediated decay, it is expected to disrupt the last 64 amino acid(s) of the GLDC protein.

Literature cited by the submitters: PubMed 26179960; PubMed 27362913; PubMed 28244183.

NM_000170.3(GLDC):c.2870_2909del (p.Ser957fs)

Gene: GLDC (glycine decarboxylase; minus strand). Cytogenetic location: 9p24.1.
Variant type: Deletion.
Coding change: c.2870_2909del on transcript NM_000170.3 (MANE Select); coding-DNA positions 2870 to 2909, 40 bases deleted.
Protein change: p.Ser957fs; shifts the reading frame from serine 957.
Molecular consequence: frameshift variant.
Genome position (GRCh38, 1-based): chr9:6,534,718-6,534,757, 40 bases deleted. GRCh37 (hg19): chr9:6,534,718-6,534,757.
Other names: short protein forms S957fs.
Identifiers: ClinVar variation 1429818 (VCV001429818.6), dbSNP rs2129645235, ClinGen allele CA2573144480.